The following is an entry in ClinVar:

ClinVar aggregate classification (germline): Uncertain significance. Review status: criteria provided, multiple submitters, no conflicts (2 of 4 stars). 3 submissions from 3 submitters: Uncertain significance (2). 1 of the submissions does not count toward it. Last evaluated 2026-01-07.

Conditions:
Mitochondrial complex I deficiency. Also called: NADH:Q(1) OXIDOREDUCTASE DEFICIENCY. Identifiers: Orphanet 2609, MedGen C1838979, MeSH C537475, MONDO:0100133.
Leigh syndrome (NULS). Also called: Subacute necrotizing encephalopathy; Necrotizing encephalopathy infantile subacute of Leigh; Leigh's syndrome; Leigh Disease; LEIGH SYNDROME, NUCLEAR; Leigh's necrotizing encephalopathy. Identifiers: Orphanet 506, MedGen C2931891, MONDO:0009723, OMIM 256000.
Inborn genetic diseases. Identifiers: MedGen C0950123, MeSH D030342.

Allele frequency attached by ClinVar (database versions not stated): TOPMed 0.00002; ESP Exome Variant Server 0.00008.
gnomAD v4.1: 84 of 1,613,900 alleles (0.0052%); highest among the groups gnomAD compares: Non-Finnish European, 0.0069%; no homozygotes.

Submissions (3):

GeneDx
Classification: Uncertain significance. Last evaluated: 2026-01-07. Review status: criteria provided, single submitter. Criteria: GeneDx Variant Classification Process June 2021. Collection method: clinical testing. Allele origin: germline. Affected: yes.
Comment: Not observed at significant frequency in large population cohorts (gnomAD); In silico analysis suggests that this missense variant does not alter protein structure/function; Has not been previously published as pathogenic or benign to our knowledge

Ambry Genetics
Classification: Uncertain significance for Inborn genetic diseases. Last evaluated: 2024-07-02. Review status: criteria provided, single submitter. Criteria: Ambry Variant Classification Scheme 2023. Collection method: clinical testing. Allele origin: germline.

Natera, Inc.
Classification: Uncertain significance for Mitochondrial complex I deficiency. Last evaluated: 2021-02-03. Review status: no assertion criteria provided. Collection method: clinical testing. Allele origin: germline. Not counted in ClinVar's aggregate classification.

NM_024120.5(NDUFAF5):c.92C>T (p.Ser31Phe)

Genes: NDUFAF5 (NADH:ubiquinone oxidoreductase complex assembly factor 5; plus strand), LOC130065433 (ATAC-STARR-seq lymphoblastoid active region 17552; plus strand). Cytogenetic location: 20p12.1.
Variant type: single nucleotide variant.
Coding change: c.92C>T on transcript NM_024120.5 (MANE Select); coding-DNA position 92, C replaced by T.
Protein change: p.Ser31Phe; replaces serine 31 with phenylalanine.
Molecular consequence: missense variant. On other transcripts: 5 prime UTR variant (3), non-coding transcript variant (7).
Genome position (GRCh38, 1-based): chr20:13,785,160, C>T. VCF-style: chr20-13785160-C-T. GRCh37 (hg19) VCF-style: chr20-13765806-C-T.
Other names: p.S31F:TCT>TTT; c.92C>T, p.Ser31Phe (NM_001039375.3, NM_001352408.2); c.-276C>T (NM_001352403.2); c.-490C>T (NM_001352406.2); c.-604C>T (NM_001352407.2); short protein forms S31F.
Identifiers: ClinVar variation 214203 (VCV000214203.9), dbSNP rs375461797, ClinGen allele CA324682.